The following is an entry in ClinVar:

ClinVar aggregate classification (germline): Uncertain significance (1 of 4 stars; one submission).

Conditions:
Cardiovascular phenotype. Identifiers: MedGen CN230736.

Allele frequency attached by ClinVar (database versions not stated): gnomAD exomes below 0.00001.
gnomAD v4.1: 1 of 1,612,858 alleles (0.000062%); highest among the groups gnomAD compares: Non-Finnish European, 0.000085%; no homozygotes.

Submission:

Ambry Genetics
Classification: Uncertain significance for Cardiovascular phenotype. Last evaluated: 2023-10-15. Review status: criteria provided, single submitter. Criteria: Ambry Variant Classification Scheme 2023. Collection method: clinical testing. Allele origin: germline.
Comment: The p.K2628E variant (also known as c.7882A>G), located in coding exon 22 of the TNXB gene, results from an A to G substitution at nucleotide position 7882. The lysine at codon 2628 is replaced by glutamic acid, an amino acid with similar properties. This amino acid position is conserved. In addition, this alteration is predicted to be tolerated by in silico analysis. Since supporting evidence is limited at this time, the clinical significance of this alteration remains unclear.

NM_001365276.2(TNXB):c.7882A>G (p.Lys2628Glu)

Gene: TNXB (tenascin XB; minus strand). Cytogenetic location: 6p21.33.
Variant type: single nucleotide variant.
Coding change: c.7882A>G on transcript NM_001365276.2 (MANE Select); coding-DNA position 7882, A replaced by G.
Protein change: p.Lys2628Glu; replaces lysine 2628 with glutamic acid.
Molecular consequence: missense variant.
Genome position (GRCh38, 1-based): chr6:32,056,847, T>C on the plus strand (A>G on the coding strand, the complement: TNXB is on the minus strand). VCF-style: chr6-32056847-T-C. GRCh37 (hg19) VCF-style: chr6-32024624-T-C.
Other names: c.8623A>G, p.Lys2875Glu (NM_001428335.1); c.7882A>G, p.Lys2628Glu (NM_019105.8); short protein forms K2628E, K2875E.
Identifiers: ClinVar variation 3227327 (VCV003227327.1), dbSNP rs2483476455, ClinGen allele CA363550547.
Genomic context (GRCh38, chr6:32,056,847, plus strand): 5'-AGGACAGGCTGAGGGAGTCAGGGGTGGCATCTGTCATGGTCAGCTCCCCCAGGCGAGGCT[T>C]GATGGGGGGCTCAGGGGTCATGGTAGGCACTGCTTGGGTGGTCTCGGCTTCATCCTCTGG-3'
Protein context (NP_001352205.1, residues 2618-2638): VPTMTPEPPI[Lys2628Glu]PRLGELTMTD